The following is an entry in ClinVar:

NM_206937.2(LIG4):c.184G>A (p.Asp62Asn)

Gene: LIG4 (DNA ligase 4; minus strand). Cytogenetic location: 13q33.3.
Variant type: single nucleotide variant.
Coding change: c.184G>A on transcript NM_206937.2 (MANE Select); coding-DNA position 184, G replaced by A.
Protein change: p.Asp62Asn; replaces aspartic acid 62 with asparagine.
Molecular consequence: missense variant. On other transcripts: 5 prime UTR variant (1).
Genome position (GRCh38, 1-based): chr13:108,211,085, C>T on the plus strand (G>A on the coding strand, the complement: LIG4 is on the minus strand). VCF-style: chr13-108211085-C-T. GRCh37 (hg19) VCF-style: chr13-108863433-C-T.
Other names: c.184G>A, p.Asp62Asn (NM_001098268.2, NM_001352598.2, NM_001352599.2 and 6 more transcripts); c.-18G>A (NM_001330595.2); c.220G>A, p.Asp74Asn (NM_001352604.2); short protein forms D62N, D74N.
Identifiers: ClinVar variation 2712045 (VCV002712045.3), dbSNP rs3093763, ClinGen allele CA388624138.

ClinVar aggregate classification (germline): Uncertain significance (1 of 4 stars; one submission).

Conditions:
DNA ligase IV deficiency. Identifiers: Orphanet 99812, MedGen C1847827, MONDO:0011686, OMIM 606593.

Submission:

Labcorp Genetics (formerly Invitae), Labcorp
Classification: Uncertain significance for DNA ligase IV deficiency. Last evaluated: 2023-07-03. Review status: criteria provided, single submitter. Criteria: Invitae Variant Classification Sherloc (09022015). Collection method: clinical testing. Allele origin: germline.
Comment: This sequence change replaces aspartic acid, which is acidic and polar, with asparagine, which is neutral and polar, at codon 62 of the LIG4 protein (p.Asp62Asn). This variant is not present in population databases (gnomAD no frequency). This variant has not been reported in the literature in individuals affected with LIG4-related conditions. Advanced modeling of protein sequence and biophysical properties (such as structural, functional, and spatial information, amino acid conservation, physicochemical variation, residue mobility, and thermodynamic stability) has been performed at Invitae for this missense variant, however the output from this modeling did not meet the statistical confidence thresholds required to predict the impact of this variant on LIG4 protein function. In summary, the available evidence is currently insufficient to determine the role of this variant in disease. Therefore, it has been classified as a Variant of Uncertain Significance.